The following is an entry in ClinVar:

NM_001378120.1(MBD5):c.4946del (p.Ser1649fs)

Gene: MBD5 (methyl-CpG binding domain protein 5; plus strand). Cytogenetic location: 2q23.1.
Variant type: Deletion.
Coding change: c.4946del on transcript NM_001378120.1 (MANE Select); coding-DNA position 4946, one base deleted (G; older notation c.4946delG).
Protein change: p.Ser1649fs; shifts the reading frame from serine 1649.
Molecular consequence: frameshift variant.
Genome position (GRCh38, 1-based): chr2:148,490,578, G deleted. VCF-style (leftmost placement, unchanged base first): chr2-148490577-AG-A. GRCh37 (hg19) VCF-style: chr2-149248146-AG-A.
Other names: p.Ser1416Thrfs*12; c.4247del, p.Ser1416fs (NM_018328.5); short protein forms S1416fs, S1649fs.
Identifiers: ClinVar variation 2627740 (VCV002627740.1), dbSNP rs2470031704, ClinGen allele CA2586963958.

ClinVar aggregate classification (germline): Pathogenic (0 of 4 stars; one submission).

Conditions:
Intellectual developmental disorder, autosomal dominant 1. Also called: MBD5 Haploinsufficiency; Intellectual disability, autosomal dominant 1. Identifiers: Orphanet 228402, MedGen C1969562, MONDO:0007974, OMIM 156200.

Submission:

Clinical Genomics Laboratory, Stanford Medicine
Classification: Pathogenic for Intellectual developmental disorder, autosomal dominant 1. Last evaluated: 2020-11-19. Review status: no assertion criteria provided. Collection method: clinical testing. Allele origin: germline. Inheritance: Autosomal dominant inheritance. Affected: yes. Observed: 1 heterozygote.
Comment: This variant was absent from large population databases, including the Genome Aggregation Database. This variant leads to a premature stop codon in exon 12 of 15, and is therefore predicted to undergo nonsense-medicated decay resulting in a truncated or absent protein. Heterozygous loss of function is an established mechanism of disease for the MBD5 gene. These data were assessed using the ACMG/AMP variant interpretation guidelines. In summary, there is sufficient evidence to classify the p.Ser1416Thrfs*12 variant as pathogenic for autosomal dominant MBD5-associated neurodevelopmental disorder based on the information above. [ACMG: PVS1, PS2_Supporting; PM2]